The following is an entry in ClinVar:

ClinVar aggregate classification (germline): Uncertain significance (1 of 4 stars; one submission).

Submission:

GeneDx
Classification: Uncertain significance. Last evaluated: 2024-01-25. Review status: criteria provided, single submitter. Criteria: GeneDx Variant Classification Process June 2021. Collection method: clinical testing. Allele origin: germline. Affected: yes.
Comment: Not observed at significant frequency in large population cohorts (gnomAD); In silico analysis supports that this missense variant does not alter protein structure/function; Has not been previously published as pathogenic or benign to our knowledge

NM_001292063.2(OTOG):c.3363G>C (p.Glu1121Asp)

Gene: OTOG (otogelin; plus strand). Cytogenetic location: 11p15.1.
Variant type: single nucleotide variant.
Coding change: c.3363G>C on transcript NM_001292063.2 (MANE Select); coding-DNA position 3363, G replaced by C.
Protein change: p.Glu1121Asp; replaces glutamic acid 1121 with aspartic acid.
Molecular consequence: missense variant.
Genome position (GRCh38, 1-based): chr11:17,594,121, G>C. VCF-style: chr11-17594121-G-C. GRCh37 (hg19) VCF-style: chr11-17615668-G-C.
Other names: c.3399G>C, p.Glu1133Asp (NM_001277269.2); short protein forms E1121D, E1133D.
Identifiers: ClinVar variation 3368237 (VCV003368237.1).
Genomic context (GRCh38, chr11:17,594,121, plus strand): 5'-CCTCTGTGGGAACTTTGACTTAAAAACCATCAATGAGATGAGGACCCCGGAGAACCTAGA[G>C]CTAACTAACCCCCAGGAGTTTGGCAGCAGTTGGGCTGCAGTTGAGGTAAAGCCTCTCTTC-3'
Protein context (NP_001278992.1, residues 1111-1131): INEMRTPENL[Glu1121Asp]LTNPQEFGSS